The following is an entry in ClinVar:

NM_000368.5(TSC1):c.*2651G>T

Gene: TSC1 (TSC complex subunit 1; minus strand). Cytogenetic location: 9q34.13.
Variant type: single nucleotide variant.
Coding change: c.*2651G>T on transcript NM_000368.5 (MANE Select); 2651 bases downstream of the stop codon, G replaced by T.
Molecular consequence: 3 prime UTR variant.
Genome position (GRCh38, 1-based): chr9:132,893,584, C>A on the plus strand (G>T on the coding strand, the complement: TSC1 is on the minus strand). VCF-style: chr9-132893584-C-A. GRCh37 (hg19) VCF-style: chr9-135768971-C-A.
Other names: c.*2651G>T (NM_001162426.2, NM_001162427.2, NM_001362177.2).
Identifiers: ClinVar variation 365442 (VCV000365442.6), dbSNP rs55660990, ClinGen allele CA10626690.
Genomic context (GRCh38, chr9:132,893,584, plus strand): 5'-CCTCCCCGCTAAAACTGTAGTGCACCTTTTTAAAGGAATTCCATGCTGCACAGCAGCAGA[C>A]TTCGGGCTCCTCGGGGCCTGTGCTGACTCTGGTTAGTGTCAGGTGGGGATCCGAGTAGGT-3'

ClinVar aggregate classification (germline): Benign. Review status: criteria provided, multiple submitters, no conflicts (2 of 4 stars). 3 submissions from 2 submitters: Benign (3). Last evaluated 2018-01-13.

Conditions:
Tuberous sclerosis 1 (TSC1). Identifiers: Orphanet 805, MedGen C1854465, MONDO:0008612, OMIM 191100.
Isolated focal cortical dysplasia type II (FCORD2). Also called: CORTICAL DYSPLASIA OF TAYLOR; Focal cortical dysplasia type II. Identifiers: Orphanet 268994, MedGen C1846385, MONDO:0011818, OMIM 607341, HP:0032051.

Allele frequency attached by ClinVar (database versions not stated): 1000 Genomes Project 0.02536; 1000 Genomes Project 30x 0.02623; gnomAD exomes 0.03707; gnomAD 0.03963 and 0.04112; TOPMed 0.04058.
gnomAD v4.1: 9,045 of 233,214 alleles (3.9%); highest among the groups gnomAD compares: Non-Finnish European, 4.6%; 176 homozygotes.

Submissions (3):

Illumina Laboratory Services, Illumina
Classification: Benign for Isolated focal cortical dysplasia type II. Last evaluated: 2018-01-13. Review status: criteria provided, single submitter. Criteria: ICSL Variant Classification Criteria 13 December 2019. Collection method: clinical testing. Allele origin: germline.
Comment: This variant was observed in the ICSL laboratory as part of a predisposition screen in an ostensibly healthy population. It had not been previously curated by ICSL or reported in the Human Gene Mutation Database (HGMD: prior to June 1st, 2018), and was therefore a candidate for classification through an automated scoring system. Utilizing variant allele frequency, disease prevalence and penetrance estimates, and inheritance mode, an automated score was calculated to assess if this variant is too frequent to cause the disease. Based on the score and internal cut-off values, a variant classified as benign is not then subjected to further curation. The score for this variant resulted in a classification of benign for this disease.

Illumina Laboratory Services, Illumina
Classification: Benign for Tuberous sclerosis 1. Last evaluated: 2018-01-13. Review status: criteria provided, single submitter. Criteria: ICSL Variant Classification Criteria 13 December 2019. Collection method: clinical testing. Allele origin: germline.
Comment: the same text as in the submission from Illumina Laboratory Services, Illumina above.

Breakthrough Genomics
Classification: Benign. Review status: criteria provided, single submitter. Criteria: ACMG Guidelines, 2015. Collection method: not provided. Allele origin: germline. Inheritance: Autosomal dominant inheritance. Affected: yes.